The following is an entry in ClinVar:

ClinVar aggregate classification (germline): Uncertain significance. Review status: criteria provided, multiple submitters, no conflicts (2 of 4 stars). 2 submissions from 2 submitters: Uncertain significance (2). Last evaluated 2024-12-09.

Conditions:
Hereditary cancer-predisposing syndrome. Also called: Neoplastic Syndromes, Hereditary; Hereditary neoplastic syndrome; Tumor predisposition; Hereditary Cancer Syndrome. Identifiers: Orphanet 140162, MedGen C0027672, MeSH D009386, MONDO:0015356.
Fanconi anemia complementation group J. Also called: BRIP1-Related Fanconi Anemia. Identifiers: Orphanet 84, MedGen C1836860, MONDO:0012187, OMIM 609054.
Familial cancer of breast. Also called: hereditary breast carcinoma; BREAST CANCER, FAMILIAL; Hereditary breast cancer. Identifiers: Orphanet 227535, MedGen C0346153, MONDO:0016419, OMIM 114480. Disease mechanism: loss of function.

Allele frequency attached by ClinVar (database versions not stated): gnomAD exomes below 0.00001.
gnomAD v4.1: 1 of 1,613,586 alleles (0.000062%); highest among the groups gnomAD compares: Non-Finnish European, 0.000085%; no homozygotes.

Submissions (2):

Ambry Genetics
Classification: Uncertain significance for Hereditary cancer-predisposing syndrome. Last evaluated: 2024-12-09. Review status: criteria provided, single submitter. Criteria: Ambry Variant Classification Scheme 2023. Collection method: clinical testing. Allele origin: germline.
Comment: The p.D1180H variant (also known as c.3538G>C), located in coding exon 19 of the BRIP1 gene, results from a G to C substitution at nucleotide position 3538. The aspartic acid at codon 1180 is replaced by histidine, an amino acid with similar properties. This amino acid position is conserved. In addition, this alteration is predicted to be tolerated by in silico analysis. Since supporting evidence is limited at this time, the clinical significance of this alteration remains unclear.

Labcorp Genetics (formerly Invitae), Labcorp
Classification: Uncertain significance for Familial cancer of breast; Fanconi anemia complementation group J. Last evaluated: 2019-03-05. Review status: criteria provided, single submitter. Criteria: Invitae Variant Classification Sherloc (09022015). Collection method: clinical testing. Allele origin: germline.
Comment: Algorithms developed to predict the effect of missense changes on protein structure and function are either unavailable or do not agree on the potential impact of this missense change (SIFT: "Tolerated"; PolyPhen-2: "Possibly Damaging"; Align-GVGD: "Class C0"). This variant has not been reported in the literature in individuals with BRIP1-related conditions. This variant is not present in population databases (ExAC no frequency). This sequence change replaces aspartic acid with histidine at codon 1180 of the BRIP1 protein (p.Asp1180His). The aspartic acid residue is weakly conserved and there is a moderate physicochemical difference between aspartic acid and histidine. In summary, the available evidence is currently insufficient to determine the role of this variant in disease. Therefore, it has been classified as a Variant of Uncertain Significance.

NM_032043.3(BRIP1):c.3538G>C (p.Asp1180His)

Gene: BRIP1 (BRCA1 interacting DNA helicase 1; minus strand). Cytogenetic location: 17q23.2.
Variant type: single nucleotide variant.
Coding change: c.3538G>C on transcript NM_032043.3 (MANE Select); coding-DNA position 3538, G replaced by C.
Protein change: p.Asp1180His; replaces aspartic acid 1180 with histidine.
Molecular consequence: missense variant.
Genome position (GRCh38, 1-based): chr17:61,683,508, C>G on the plus strand (G>C on the coding strand, the complement: BRIP1 is on the minus strand). VCF-style: chr17-61683508-C-G. GRCh37 (hg19) VCF-style: chr17-59760869-C-G.
Other names: short protein forms D1180H.
Identifiers: ClinVar variation 841198 (VCV000841198.14), dbSNP rs2061303001, ClinGen allele CA400478363.